The following is an entry in ClinVar:

ClinVar aggregate classification (germline): Uncertain significance (1 of 4 stars; one submission).

Submission:

Labcorp Genetics (formerly Invitae), Labcorp
Classification: Uncertain significance. Last evaluated: 2024-02-13. Review status: criteria provided, single submitter. Criteria: Invitae Variant Classification Sherloc (09022015). Collection method: clinical testing. Allele origin: germline.
Comment: This sequence change replaces isoleucine, which is neutral and non-polar, with threonine, which is neutral and polar, at codon 316 of the TUBB2A protein (p.Ile316Thr). This variant is not present in population databases (gnomAD no frequency). This variant has not been reported in the literature in individuals affected with TUBB2A-related conditions. Advanced modeling of protein sequence and biophysical properties (such as structural, functional, and spatial information, amino acid conservation, physicochemical variation, residue mobility, and thermodynamic stability) performed at Invitae indicates that this missense variant is not expected to disrupt TUBB2A protein function with a negative predictive value of 80%. In summary, the available evidence is currently insufficient to determine the role of this variant in disease. Therefore, it has been classified as a Variant of Uncertain Significance.

NM_001069.3(TUBB2A):c.947T>C (p.Ile316Thr)

Gene: TUBB2A (tubulin beta 2A class IIa; minus strand). Cytogenetic location: 6p25.2.
Variant type: single nucleotide variant.
Coding change: c.947T>C on transcript NM_001069.3 (MANE Select); coding-DNA position 947, T replaced by C.
Protein change: p.Ile316Thr; replaces isoleucine 316 with threonine.
Molecular consequence: missense variant.
Genome position (GRCh38, 1-based): chr6:3,154,254, A>G on the plus strand (T>C on the coding strand, the complement: TUBB2A is on the minus strand). VCF-style: chr6-3154254-A-G. GRCh37 (hg19) VCF-style: chr6-3154488-A-G.
Other names: c.692T>C, p.Ile231Thr (NM_001310315.2); short protein forms I316T, I231T.
Identifiers: ClinVar variation 3665095 (VCV003665095.2).
Genomic context (GRCh38, chr6:3,154,254, plus strand): 5'-TTGTTCTGCACGTTGAGCATCTGCTCGTCCACCTCCTTCATGGACATGCGGCCCCGGAAG[A>G]TGGCAGCCACCGTCAGGTAGCGGCCGTGGCGCGGGTCGCAGGCGGCCATCATGTTCTTGG-3'
Protein context (NP_001060.1, residues 306-326): RHGRYLTVAA[Ile316Thr]FRGRMSMKEV